The following is an entry in ClinVar:

NM_000393.5(COL5A2):c.387del (p.Arg130fs)

Gene: COL5A2 (collagen type V alpha 2 chain; minus strand). Cytogenetic location: 2q32.2.
Variant type: Deletion.
Coding change: c.387del on transcript NM_000393.5 (MANE Select); coding-DNA position 387, one base deleted (T; older notation c.387delT).
Protein change: p.Arg130fs; shifts the reading frame from arginine 130.
Molecular consequence: frameshift variant.
Genome position (GRCh38, 1-based): chr2:189,098,742, A deleted on the plus strand (T on the coding strand, the reverse complement: COL5A2 is on the minus strand). VCF-style (leftmost placement, unchanged base first): chr2-189098741-GA-G. GRCh37 (hg19) VCF-style: chr2-189963467-GA-G.
Other names: short protein forms R130fs.
Identifiers: ClinVar variation 1453409 (VCV001453409.6), dbSNP rs2105686869, ClinGen allele CA2573134240.
Genomic context (GRCh38, chr2:189,098,741, plus strand): 5'-CTCAAGGAATACAAGAGTACCAAGAATATTGGGAGAAACTACTTACTGCCGGTCCTGGAC[GA>G]CCACGTATGCCTGTTACCTAAACAATAAACAAGAAAATTTGTAAAGGTAAAGTTTCTGCA-3'

ClinVar aggregate classification (germline): Pathogenic (1 of 4 stars; one submission).

Conditions:
Ehlers-Danlos syndrome, classic type, 1 (EDSCL1). Also called: EHLERS-DANLOS SYNDROME, GRAVIS TYPE; EHLERS-DANLOS SYNDROME, SEVERE CLASSIC TYPE; Ehlers-Danlos syndrome, type 1; Ehlers-Danlos Syndrome, Classic Type, COL5A1-Related; EDS I. Identifiers: MedGen C0268335, MONDO:0019567, OMIM 130000.

Submission:

Labcorp Genetics (formerly Invitae), Labcorp
Classification: Pathogenic for Ehlers-Danlos syndrome, classic type, 1. Last evaluated: 2021-04-16. Review status: criteria provided, single submitter. Criteria: Invitae Variant Classification Sherloc (09022015). Collection method: clinical testing. Allele origin: germline.
Comment: For these reasons, this variant has been classified as Pathogenic. This variant has not been reported in the literature in individuals with COL5A2-related conditions. This sequence change creates a premature translational stop signal (p.Arg130Valfs*58) in the COL5A2 gene. It is expected to result in an absent or disrupted protein product. Loss-of-function variants in COL5A2 are known to be pathogenic (PMID: 23587214). This variant is not present in population databases (ExAC no frequency).

Literature cited by the submitters: PubMed 23587214.